The following is an entry in ClinVar:

NM_194277.3(FRMD7):c.951G>C (p.Arg317Ser)

Gene: FRMD7 (FERM domain containing 7; minus strand). Cytogenetic location: Xq26.2.
Variant type: single nucleotide variant.
Coding change: c.951G>C on transcript NM_194277.3 (MANE Select); coding-DNA position 951, G replaced by C.
Protein change: p.Arg317Ser; replaces arginine 317 with serine.
Molecular consequence: missense variant.
Genome position (GRCh38, 1-based): chrX:132,080,221, C>G on the plus strand (G>C on the coding strand, the complement: FRMD7 is on the minus strand). VCF-style: chrX-132080221-C-G. GRCh37 (hg19) VCF-style: chrX-131214249-C-G.
Other names: c.906G>C, p.Arg302Ser (NM_001306193.2); short protein forms R317S, R302S.
Identifiers: ClinVar variation 1993800 (VCV001993800.4), dbSNP rs948849723, ClinGen allele CA335857580.
Genomic context (GRCh38, chrX:132,080,221, plus strand): 5'-TAAAATCAACACGAGCAAGAGAAACAAAATCATGTACCTTTCAAATGGCAAGCTCTTCAG[C>G]CTCCCTTTTCTCCCATATTCCAAAAGTTGCCTTTGGGTTCGTCCACTATCATAAGGAACA-3'
Protein context (NP_919253.1, residues 307-327): RQLLEYGRKG[Arg317Ser]LKSLPFERKH

ClinVar aggregate classification (germline): Uncertain significance (1 of 4 stars; one submission).

Submission:

Labcorp Genetics (formerly Invitae), Labcorp
Classification: Uncertain significance. Last evaluated: 2025-01-13. Review status: criteria provided, single submitter. Criteria: Invitae Variant Classification Sherloc (09022015). Collection method: clinical testing. Allele origin: germline.
Comment: This sequence change replaces arginine, which is basic and polar, with serine, which is neutral and polar, at codon 317 of the FRMD7 protein (p.Arg317Ser). This variant is not present in population databases (gnomAD no frequency). This variant has not been reported in the literature in individuals affected with FRMD7-related conditions. ClinVar contains an entry for this variant (Variation ID: 1993800). An algorithm developed to predict the effect of missense changes on protein structure and function (PolyPhen-2) suggests that this variant is likely to be tolerated. In summary, the available evidence is currently insufficient to determine the role of this variant in disease. Therefore, it has been classified as a Variant of Uncertain Significance.